The following is an entry in ClinVar:

ClinVar aggregate classification (germline): Likely benign (0 of 4 stars; one submission).

Conditions:
JAG2-related disorder. Also called: JAG2-related condition.

gnomAD v4.1: 24 of 1,611,092 alleles (0.0015%); highest among the groups gnomAD compares: Non-Finnish European, 0.002%; no homozygotes.

Submission:

PreventionGenetics, part of Exact Sciences
Classification: Likely benign for JAG2-related condition. Last evaluated: 2020-12-22. Review status: no assertion criteria provided. Collection method: clinical testing. Allele origin: germline.
Comment: This variant is classified as likely benign based on ACMG/AMP sequence variant interpretation guidelines (Richards et al. 2015 PMID: 25741868, with internal and published modifications).

NM_002226.5(JAG2):c.2593+9C>G

Gene: JAG2 (jagged canonical Notch ligand 2; minus strand). Cytogenetic location: 14q32.33.
Variant type: single nucleotide variant.
Coding change: c.2593+9C>G on transcript NM_002226.5 (MANE Select); 9 bases into the intron after coding-DNA position 2593, C replaced by G.
Molecular consequence: intron variant.
Genome position (GRCh38, 1-based): chr14:105,146,602, G>C on the plus strand (C>G on the coding strand, the complement: JAG2 is on the minus strand). VCF-style: chr14-105146602-G-C. GRCh37 (hg19) VCF-style: chr14-105612939-G-C.
Other names: c.2479+9C>G (NM_145159.3).
Identifiers: ClinVar variation 3031033 (VCV003031033.2), dbSNP rs771494301, ClinGen allele CA616475800.
Genomic context (GRCh38, chr14:105,146,602, plus strand): 5'-GCCCTCGGGGCTGGGTGTCACCCATGCCCCCCAACCCGCCCCAACCCAGGGCAATCACAC[G>C]GGGCCTACCTTCCTGGCACCGGGGGCCGGCTCGGCCGGGTGGGCAGCTACAGCGATACCC-3'